The following is an entry in ClinVar:

ClinVar aggregate classification (germline): Uncertain significance (1 of 4 stars; one submission).

Conditions:
Hereditary breast ovarian cancer syndrome. Also called: Hereditary breast and ovarian cancer; Hereditary breast and ovarian cancer syndrome (HBOC); Breast and ovarian cancer; Hereditary breast and/or ovarian cancer syndrome; BRCA1- and BRCA2-Associated Hereditary Breast and Ovarian Cancer; Hereditary breast and ovarian cancer syndrome. Identifiers: Orphanet 145, MedGen C0677776, MeSH D061325, MONDO:0003582. Disease mechanism: loss of function.

Submissions (2):

Labcorp Genetics (formerly Invitae), Labcorp
Classification: Uncertain significance for Hereditary breast ovarian cancer syndrome. Last evaluated: 2023-11-06. Review status: criteria provided, single submitter. Criteria: Invitae Variant Classification Sherloc (09022015). Collection method: clinical testing. Allele origin: germline.
Comment: This sequence change replaces lysine, which is basic and polar, with glutamic acid, which is acidic and polar, at codon 32 of the BRCA1 protein (p.Lys32Glu). This variant is not present in population databases (gnomAD no frequency). This variant has not been reported in the literature in individuals affected with BRCA1-related conditions. ClinVar contains an entry for this variant (Variation ID: 867793). Advanced modeling performed at Invitae incorporating data from internal and/or published experimental studies (PMID: 30209399) indicates that this missense variant is not expected to disrupt BRCA1 function with a negative predictive value of 95%. Experimental studies have shown that this missense change does not substantially affect BRCA1 function (PMID: 30209399). In summary, the available evidence is currently insufficient to determine the role of this variant in disease. Therefore, it has been classified as a Variant of Uncertain Significance.

Brotman Baty Institute, University of Washington
No classification provided (evidence only). Condition: Breast-ovarian cancer, familial 1. Review status: no classification provided. Collection method: in vitro. Allele origin: not applicable. Functional consequence: functionally_normal. Not counted in ClinVar's aggregate classification.
ClinVar note: "not provided" was previously submitted as the classification for the variant. However, the classification appeared to be based only on an observation of functional data so it was converted to no classification on 2025-07-30.

Literature cited by the submitters: PubMed 30209399 (cited by Labcorp Genetics (formerly Invitae), Labcorp).

NM_007294.4(BRCA1):c.94A>G (p.Lys32Glu)

Gene: BRCA1 (BRCA1 DNA repair associated; minus strand). Cytogenetic location: 17q21.31.
Variant type: single nucleotide variant.
Coding change: c.94A>G on transcript NM_007294.4 (MANE Select); coding-DNA position 94, A replaced by G.
Protein change: p.Lys32Glu; replaces lysine 32 with glutamic acid.
Molecular consequence: missense variant. On other transcripts: non-coding transcript variant (1), intron variant (1).
Genome position (GRCh38, 1-based): chr17:43,115,766, T>C on the plus strand (A>G on the coding strand, the complement: BRCA1 is on the minus strand). VCF-style: chr17-43115766-T-C. GRCh37 (hg19) VCF-style: chr17-41267783-T-C.
Other names: c.94A>G, p.Lys32Glu (NM_001408447.1, NM_001408448.1, NM_001408450.1 and 192 more transcripts); c.-48A>G (NM_001408452.1, NM_001408453.1, NM_001408458.1 and 47 more transcripts); c.-164A>G (NM_001408455.1, NM_001408456.1, NM_001408468.1 and 13 more transcripts); c.-168A>G (NM_001408465.1, NM_001407695.1); c.-95A>G (NM_001408478.1, NM_001407571.1, NM_001408479.1 and 52 more transcripts); c.-211A>G (NM_001408492.1, NM_001407889.1, NM_001407900.1); c.-210A>G (NM_001408510.1, NM_001408512.1, NM_001407960.1 and 1 more transcripts); c.-8+8251A>G (NM_007297.4); and 2 more; short protein forms K32E.
Identifiers: ClinVar variation 867793 (VCV000867793.12), dbSNP rs2055258887, ClinGen allele CA10601966.
Genomic context (GRCh38, chr17:43,115,766, plus strand): 5'-CATAACACATTCAAACTTACTTGCAAAATATGTGGTCACACTTTGTGGAGACAGGTTCCT[T>C]GATCAACTCCAGACTAGCAGGGTAGGGGGGGAGAAAAAGAAAATAAATGAGGCTCAATAA-3'
Protein context (NP_009225.1, residues 22-42): LECPICLELI[Lys32Glu]EPVSTKCDHI